The following is an entry in ClinVar:

NM_001267550.2(TTN):c.101144C>T (p.Ser33715Phe)

Genes: TTN (titin; minus strand), TTN-AS1 (TTN antisense RNA 1; plus strand). Cytogenetic location: 2q31.2.
Variant type: single nucleotide variant.
Coding change: c.101144C>T on transcript NM_001267550.2 (MANE Select); coding-DNA position 101144, C replaced by T.
Protein change: p.Ser33715Phe; replaces serine 33715 with phenylalanine.
Molecular consequence: missense variant.
Genome position (GRCh38, 1-based): chr2:178,535,471, G>A on the plus strand (C>T on the coding strand, the complement: TTN is on the minus strand). VCF-style: chr2-178535471-G-A. GRCh37 (hg19) VCF-style: chr2-179400198-G-A.
Other names: c.96221C>T, p.Ser32074Phe (NM_001256850.1); c.73949C>T, p.Ser24650Phe (NM_003319.4); c.93440C>T, p.Ser31147Phe (NM_133378.4); c.74324C>T, p.Ser24775Phe (NM_133432.3); c.74525C>T, p.Ser24842Phe (NM_133437.4); short protein forms S24650F, S33715F, S31147F, S24842F, S24775F, S32074F.
Identifiers: ClinVar variation 1476465 (VCV001476465.8), dbSNP rs755892166, ClinGen allele CA1985923.
Genomic context (GRCh38, chr2:178,535,471, plus strand): 5'-CTTTCTGCAGTAGTTGCACATTTTTCAACAATGTAGTTGGTGATTTTGCTGCCACCATCA[G>A]AGGCTGGCTCAGTCCATGTTAAGTTGACAGAATCTCGTGAGACATCACTAACTTTGACTC-3'
Protein context (NP_001254479.2, residues 33705-33725): SVNLTWTEPA[Ser33715Phe]DGGSKITNYI

ClinVar aggregate classification (germline): Uncertain significance (1 of 4 stars; one submission).

Conditions:
Dilated cardiomyopathy 1G (CMD1G). Identifiers: Orphanet 154, MedGen C1858763, MONDO:0011400, OMIM 604145.
Autosomal recessive limb-girdle muscular dystrophy type 2J (LGMDR10). Also called: MUSCULAR DYSTROPHY, LIMB-GIRDLE, AUTOSOMAL RECESSIVE 10; Limb-girdle muscular dystrophy, type 2J. Identifiers: Orphanet 140922, MedGen C1837342, MONDO:0012127, OMIM 608807.

Allele frequency attached by ClinVar (database versions not stated): TOPMed below 0.00001; ExAC 0.00001; gnomAD 0.00001; gnomAD exomes 0.00001.
gnomAD v4.1: 18 of 1,613,872 alleles (0.0011%); highest among the groups gnomAD compares: Non-Finnish European, 0.0014%; no homozygotes.

Submission:

Labcorp Genetics (formerly Invitae), Labcorp
Classification: Uncertain significance for Dilated cardiomyopathy 1G; Autosomal recessive limb-girdle muscular dystrophy type 2J. Last evaluated: 2024-05-28. Review status: criteria provided, single submitter. Criteria: Invitae Variant Classification Sherloc (09022015). Collection method: clinical testing. Allele origin: germline.
Comment: This sequence change replaces serine, which is neutral and polar, with phenylalanine, which is neutral and non-polar, at codon 33715 of the TTN protein (p.Ser33715Phe). This variant is present in population databases (rs755892166, gnomAD 0.003%). This variant has not been reported in the literature in individuals affected with TTN-related conditions. ClinVar contains an entry for this variant (Variation ID: 1476465). Experimental studies and prediction algorithms are not available or were not evaluated, and the functional significance of this variant is currently unknown. This variant is located in the M band of TTN (PMID: 25589632). Non-truncating variants in this region may be relevant for neuromuscular disorders, but have not been definitively shown to cause cardiomyopathy (PMID: 23975875). In summary, the available evidence is currently insufficient to determine the role of this variant in disease. Therefore, it has been classified as a Variant of Uncertain Significance.

Literature cited by the submitters: PubMed 25589632; PubMed 23975875.